The following is an entry in ClinVar:

NM_015450.3(POT1):c.33_34dup (p.Thr12fs)

Gene: POT1 (protection of telomeres 1; minus strand). Cytogenetic location: 7q31.33.
Variant type: Microsatellite.
Coding change: c.33_34dup on transcript NM_015450.3 (MANE Select); coding-DNA positions 33 to 34, 2 bases duplicated (TA; older notation c.33_34dupTA).
Protein change: p.Thr12fs; shifts the reading frame from threonine 12.
Molecular consequence: frameshift variant. On other transcripts: 5 prime UTR variant (1), non-coding transcript variant (3).
Genome position (GRCh38, 1-based): chr7:124,892,356-124,892,357, TA duplicated on the plus strand (TA on the coding strand, the reverse complement: POT1 is on the minus strand); duplicating any 2 consecutive bases within chr7:124,892,356-124,892,365 gives the same sequence; the c. name uses the placement nearest the transcript's 3' end. VCF-style (leftmost placement, unchanged base first): chr7-124892355-G-GTA. GRCh37 (hg19) VCF-style: chr7-124532409-G-GTA.
Other names: c.-238TA[6] (NM_001042594.2); short protein forms T12fs.
Identifiers: ClinVar variation 1729968 (VCV001729968.2), dbSNP rs1462186598, ClinGen allele CA645566781.

ClinVar aggregate classification (germline): Likely pathogenic (1 of 4 stars; one submission).

Conditions:
Hereditary cancer-predisposing syndrome. Also called: Neoplastic Syndromes, Hereditary; Tumor predisposition; Hereditary Cancer Syndrome; Hereditary neoplastic syndrome. Identifiers: Orphanet 140162, MedGen C0027672, MeSH D009386, MONDO:0015356.

Submission:

Ambry Genetics
Classification: Likely pathogenic for Hereditary cancer-predisposing syndrome. Last evaluated: 2021-06-07. Review status: criteria provided, single submitter. Criteria: Ambry Variant Classification Scheme 2023. Collection method: clinical testing. Allele origin: germline.
Comment: The c.33_34dupTA variant, located in coding exon 2 of the POT1 gene, results from a duplication of TA at nucleotide position 33, causing a translational frameshift with a predicted alternate stop codon (p.T12Ifs*4). The predicted stop codon occurs in the 5&rsquo; end of thePOT1 gene. Premature termination codons in the 5&rsquo; end of a gene have been reported to escape nonsense-mediated mRNAdecay and/or lead to re-initiation (Rivas et al. Science. 2015 May 8;348(6235):666-9; Lindeboom et al. Nat Genet. 2016 Oct;48(10):1112-8; Rhee et al. Sci Rep. 2017 May 10;7(1):1653). Direct evidence for this alteration is unavailable, however premature termination codons are typically deleterious in nature. Based on the majority of available evidence to date, this variant is likely to be pathogenic.